The following is an entry in ClinVar:

ClinVar aggregate classification (germline): Conflicting classifications of pathogenicity. Review status: criteria provided, conflicting classifications (1 of 4 stars). 4 submissions from 4 submitters: Uncertain significance (1); Likely benign (2). 1 of the submissions does not count toward it. Last evaluated 2025-09-18.

Conditions:
HEXA-related disorder. Also called: HEXA-related condition.
Tay-Sachs disease (TSD). Also called: HEXA Disorders; HEXA DEFICIENCY; GM2 gangliosidosis, type 1; Hexosaminidase alpha-subunit deficiency (variant B); Sphingolipidosis, Tay-Sachs; Hexosaminidase A Deficiency. Identifiers: Orphanet 845, MedGen C0039373, MONDO:0010100, OMIM 272800.

Allele frequency attached by ClinVar (database versions not stated): gnomAD 0.00007 and 0.00009; TOPMed 0.00012; gnomAD exomes 0.00017 and 0.00022; 1000 Genomes Project 0.00020; ExAC 0.00027; 1000 Genomes Project 30x 0.00031.
gnomAD v4.1: 257 of 1,599,058 alleles (0.016%); highest among the groups gnomAD compares: South Asian, 0.16%; 4 homozygotes.

Submissions (4):

PreventionGenetics, part of Exact Sciences
Classification: Likely benign for HEXA-related condition. Last evaluated: 2025-09-18. Review status: criteria provided, single submitter. Criteria: ACMG Guidelines, 2015. Collection method: clinical testing. Allele origin: germline.
Comment: This variant is classified as likely benign based on ACMG/AMP sequence variant interpretation guidelines (Richards et al. 2015 PMID: 25741868, with internal and published modifications).

Women's Health and Genetics/Laboratory Corporation of America, LabCorp
Classification: Likely benign. Last evaluated: 2025-04-29. Review status: criteria provided, single submitter. Criteria: LabCorp Variant Classification Summary - May 2015. Collection method: clinical testing. Allele origin: germline.
Comment: Variant summary: HEXA c.1073C>T (p.Thr358Met) results in a non-conservative amino acid change in the encoded protein sequence. Three of five in-silico tools predict a damaging effect of the variant on protein function. Several computational tools predict a significant impact on normal splicing: One predicts the variant has no significant impact on splicing. Two predict the variant weakens a 5' donor site. One predicts the variant abolishes a 5' splicing donor site. However, these predictions have yet to be confirmed by functional studies. The variant allele was found at a frequency of 0.00016 in 1599058 control chromosomes, predominantly at a frequency of 0.0016 within the South Asian subpopulation in the gnomAD database, including 4 homozygotes. The observed variant frequency within South Asian control individuals in the gnomAD database is approximately 1.14 fold of the estimated maximal expected allele frequency for a pathogenic variant in HEXA causing Tay-Sachs Disease phenotype (0.0014). To our knowledge, no occurrence of c.1073C>T in individuals affected with Tay-Sachs Disease and no experimental evidence demonstrating its impact on protein function have been reported. ClinVar contains an entry for this variant (Variation ID: 582729). Based on the evidence outlined above, the variant was classified as likely benign.

Labcorp Genetics (formerly Invitae), Labcorp
Classification: Uncertain significance for Tay-Sachs disease. Last evaluated: 2022-10-13. Review status: criteria provided, single submitter. Criteria: Invitae Variant Classification Sherloc (09022015). Collection method: clinical testing. Allele origin: germline.
Comment: This sequence change replaces threonine, which is neutral and polar, with methionine, which is neutral and non-polar, at codon 358 of the HEXA protein (p.Thr358Met). This variant is present in population databases (rs552505619, gnomAD 0.1%). This variant has not been reported in the literature in individuals affected with HEXA-related conditions. ClinVar contains an entry for this variant (Variation ID: 582729). Algorithms developed to predict the effect of missense changes on protein structure and function output the following: SIFT: "Tolerated"; PolyPhen-2: "Benign"; Align-GVGD: "Class C0". The methionine amino acid residue is found in multiple mammalian species, which suggests that this missense change does not adversely affect protein function. Algorithms developed to predict the effect of sequence changes on RNA splicing suggest that this variant may disrupt the consensus splice site. In summary, the available evidence is currently insufficient to determine the role of this variant in disease. Therefore, it has been classified as a Variant of Uncertain Significance.

Natera, Inc.
Classification: Uncertain significance for Tay-Sachs disease. Last evaluated: 2017-11-18. Review status: no assertion criteria provided. Collection method: clinical testing. Allele origin: germline. Not counted in ClinVar's aggregate classification.

NM_000520.6(HEXA):c.1073C>T (p.Thr358Met)

Gene: HEXA (hexosaminidase subunit alpha; minus strand). Cytogenetic location: 15q23.
Variant type: single nucleotide variant.
Coding change: c.1073C>T on transcript NM_000520.6 (MANE Select); coding-DNA position 1073, C replaced by T.
Protein change: p.Thr358Met; replaces threonine 358 with methionine.
Molecular consequence: missense variant. On other transcripts: non-coding transcript variant (1).
Genome position (GRCh38, 1-based): chr15:72,348,048, G>A on the plus strand (C>T on the coding strand, the complement: HEXA is on the minus strand). VCF-style: chr15-72348048-G-A. GRCh37 (hg19) VCF-style: chr15-72640389-G-A.
Other names: c.1106C>T, p.Thr369Met (NM_001318825.2); c.1073C>T (NM_000520.5); short protein forms T358M, T369M.
Identifiers: ClinVar variation 582729 (VCV000582729.7), dbSNP rs552505619, ClinGen allele CA7644829.